The following is an entry in ClinVar:

ClinVar aggregate classification (germline): Uncertain significance. Review status: criteria provided, multiple submitters, no conflicts (2 of 4 stars). 3 submissions from 3 submitters: Uncertain significance (3). Last evaluated 2024-06-02.

Conditions:
Hereditary nonpolyposis colorectal neoplasms. Identifiers: MedGen C0009405, MeSH D003123.
Hereditary cancer-predisposing syndrome. Also called: Tumor predisposition; Neoplastic Syndromes, Hereditary; Hereditary Cancer Syndrome; Hereditary neoplastic syndrome. Identifiers: Orphanet 140162, MedGen C0027672, MeSH D009386, MONDO:0015356.
Endometrial carcinoma. Also called: Endometrial carcinoma, somatic. Identifiers: MedGen C0476089, MONDO:0002447, OMIM 608089, HP:0012114.

Submissions (3):

Ambry Genetics
Classification: Uncertain significance for Hereditary cancer-predisposing syndrome. Last evaluated: 2024-06-02. Review status: criteria provided, single submitter. Criteria: Ambry Variant Classification Scheme 2023. Collection method: clinical testing. Allele origin: germline.
Comment: The p.E876D variant (also known as c.2628A>T), located in coding exon 4 of the MSH6 gene, results from an A to T substitution at nucleotide position 2628. The glutamic acid at codon 876 is replaced by aspartic acid, an amino acid with highly similar properties. This amino acid position is conserved. In addition, the in silico prediction for this alteration is inconclusive. Based on the available evidence, the clinical significance of this variant remains unclear.

Baylor Genetics
Classification: Uncertain significance for Endometrial carcinoma. Last evaluated: 2024-03-21. Review status: criteria provided, single submitter. Criteria: ACMG Guidelines, 2015. Collection method: clinical testing. Allele origin: unknown.

Labcorp Genetics (formerly Invitae), Labcorp
Classification: Uncertain significance for Hereditary nonpolyposis colorectal neoplasms. Last evaluated: 2023-12-06. Review status: criteria provided, single submitter. Criteria: Invitae Variant Classification Sherloc (09022015). Collection method: clinical testing. Allele origin: germline.
Comment: This sequence change replaces glutamic acid, which is acidic and polar, with aspartic acid, which is acidic and polar, at codon 876 of the MSH6 protein (p.Glu876Asp). This variant is not present in population databases (gnomAD no frequency). This variant has not been reported in the literature in individuals affected with MSH6-related conditions. ClinVar contains an entry for this variant (Variation ID: 1897079). Advanced modeling of protein sequence and biophysical properties (such as structural, functional, and spatial information, amino acid conservation, physicochemical variation, residue mobility, and thermodynamic stability) performed at Invitae indicates that this missense variant is not expected to disrupt MSH6 protein function with a negative predictive value of 95%. In summary, the available evidence is currently insufficient to determine the role of this variant in disease. Therefore, it has been classified as a Variant of Uncertain Significance.

NM_000179.3(MSH6):c.2628A>T (p.Glu876Asp)

Gene: MSH6 (mutS homolog 6; plus strand). Cytogenetic location: 2p16.3.
Variant type: single nucleotide variant.
Coding change: c.2628A>T on transcript NM_000179.3 (MANE Select); coding-DNA position 2628, A replaced by T.
Protein change: p.Glu876Asp; replaces glutamic acid 876 with aspartic acid.
Molecular consequence: missense variant.
Genome position (GRCh38, 1-based): chr2:47,800,611, A>T. VCF-style: chr2-47800611-A-T. GRCh37 (hg19) VCF-style: chr2-48027750-A-T.
Other names: c.2238A>T, p.Glu746Asp (NM_001281492.2); c.1722A>T, p.Glu574Asp (NM_001281493.2, NM_001281494.2, NM_001406811.1 and 6 more transcripts); c.2724A>T, p.Glu908Asp (NM_001406795.1, NM_001406802.1); c.2628A>T, p.Glu876Asp (NM_001406796.1, NM_001406798.1, NM_001406800.1 and 2 more transcripts); c.2331A>T, p.Glu777Asp (NM_001406797.1, NM_001406801.1, NM_001406805.1 and 10 more transcripts); c.2103A>T, p.Glu701Asp (NM_001406799.1, NM_001406806.1, NM_001406807.1); c.2550A>T, p.Glu850Asp (NM_001406804.1); c.2634A>T, p.Glu878Asp (NM_001406813.1); and 1 more; short protein forms E746D, E878D, E701D, E777D, E850D, E876D, E908D, E574D.
Identifiers: ClinVar variation 1897079 (VCV001897079.7), dbSNP rs748663356, ClinGen allele CA346755065.